The following is an entry in ClinVar:

ClinVar aggregate classification (germline): Uncertain significance. Review status: criteria provided, multiple submitters, no conflicts (2 of 4 stars). 2 submissions from 2 submitters: Uncertain significance (2). Last evaluated 2024-02-02.

Conditions:
Spastic paraplegia. Identifiers: MedGen C0037772, HP:0001258.

Submissions (2):

GeneDx
Classification: Uncertain significance. Last evaluated: 2024-02-02. Review status: criteria provided, single submitter. Criteria: GeneDx Variant Classification Process June 2021. Collection method: clinical testing. Allele origin: germline. Affected: yes.
Comment: Not observed at significant frequency in large population cohorts (gnomAD); In silico analysis supports that this missense variant has a deleterious effect on protein structure/function; Has not been previously published as pathogenic or benign to our knowledge

Labcorp Genetics (formerly Invitae), Labcorp
Classification: Uncertain significance for Spastic paraplegia. Last evaluated: 2023-06-01. Review status: criteria provided, single submitter. Criteria: Invitae Variant Classification Sherloc (09022015). Collection method: clinical testing. Allele origin: germline.
Comment: In summary, the available evidence is currently insufficient to determine the role of this variant in disease. Therefore, it has been classified as a Variant of Uncertain Significance. Advanced modeling of protein sequence and biophysical properties (such as structural, functional, and spatial information, amino acid conservation, physicochemical variation, residue mobility, and thermodynamic stability) has been performed at Invitae for this missense variant, however the output from this modeling did not meet the statistical confidence thresholds required to predict the impact of this variant on GJC2 protein function. This variant has not been reported in the literature in individuals affected with GJC2-related conditions. This variant is not present in population databases (gnomAD no frequency). This sequence change replaces tyrosine, which is neutral and polar, with asparagine, which is neutral and polar, at codon 213 of the GJC2 protein (p.Tyr213Asn).

NM_020435.4(GJC2):c.637T>A (p.Tyr213Asn)

Gene: GJC2 (gap junction protein gamma 2; plus strand). Cytogenetic location: 1q42.13.
Variant type: single nucleotide variant.
Coding change: c.637T>A on transcript NM_020435.4 (MANE Select); coding-DNA position 637, T replaced by A.
Protein change: p.Tyr213Asn; replaces tyrosine 213 with asparagine.
Molecular consequence: missense variant.
Genome position (GRCh38, 1-based): chr1:228,158,395, T>A. VCF-style: chr1-228158395-T-A. GRCh37 (hg19) VCF-style: chr1-228346096-T-A.
Other names: c.637T>A (NM_020435.3); short protein forms Y213N.
Identifiers: ClinVar variation 2804623 (VCV002804623.4), dbSNP rs2527876802, ClinGen allele CA345098843.